The following is an entry in ClinVar:

ClinVar aggregate classification (germline): Uncertain significance (1 of 4 stars; one submission).

Conditions:
RASopathy. Also called: rasopathies; Noonan spectrum disorder. Identifiers: Orphanet 536391, MedGen C5555857, MONDO:0021060.

Submission:

Labcorp Genetics (formerly Invitae), Labcorp
Classification: Uncertain significance for RASopathy. Last evaluated: 2025-09-10. Review status: criteria provided, single submitter. Criteria: Invitae Variant Classification Sherloc (09022015). Collection method: clinical testing. Allele origin: germline.
Comment: This sequence change replaces leucine, which is neutral and non-polar, with arginine, which is basic and polar, at codon 503 of the CBL protein (p.Leu503Arg). This variant is not present in population databases (gnomAD no frequency). This variant has not been reported in the literature in individuals affected with CBL-related conditions. Invitae Evidence Modeling of protein sequence and biophysical properties (such as structural, functional, and spatial information, amino acid conservation, physicochemical variation, residue mobility, and thermodynamic stability) indicates that this missense variant is not expected to disrupt CBL protein function with a negative predictive value of 95%. In summary, the available evidence is currently insufficient to determine the role of this variant in disease. Therefore, it has been classified as a Variant of Uncertain Significance.

NM_005188.4(CBL):c.1508T>G (p.Leu503Arg)

Gene: CBL (Cbl proto-oncogene; plus strand). Cytogenetic location: 11q23.3.
Variant type: single nucleotide variant.
Coding change: c.1508T>G on transcript NM_005188.4 (MANE Select); coding-DNA position 1508, T replaced by G.
Protein change: p.Leu503Arg; replaces leucine 503 with arginine.
Molecular consequence: missense variant.
Genome position (GRCh38, 1-based): chr11:119,285,045, T>G. VCF-style: chr11-119285045-T-G. GRCh37 (hg19) VCF-style: chr11-119155755-T-G.
Other names: short protein forms L503R.
Identifiers: ClinVar variation 4800617 (VCV004800617.1).
Genomic context (GRCh38, chr11:119,285,045, plus strand): 5'-CTCCATTCTCCATGGCCCCACAAGCTTCCCTTCCCCCGGTGCCACCACGACTTGACCTTC[T>G]GCCGCAGCGAGTATGTGTTCCCTCAAGTGCTTCTGCTCTTGGAACTGCTTCTAAGGTAAA-3'
Protein context (NP_005179.2, residues 493-513): LPPVPPRLDL[Leu503Arg]PQRVCVPSSA